The following is an entry in ClinVar:

ClinVar aggregate classification (germline): Benign (1 of 4 stars; one submission).

Conditions:
Primary familial polycythemia due to EPO receptor mutation. Also called: ERYTHROCYTOSIS, SOMATIC; POLYCYTHEMIA, PRIMARY FAMILIAL AND CONGENITAL; Primary Familial Congenital Polycythemia; Erythrocytosis, familial, 1. Identifiers: Orphanet 90042, MedGen C4551637, MONDO:0007572, OMIM 133100.

Allele frequency attached by ClinVar (database versions not stated): gnomAD below 0.00001 and 0.00016; TOPMed 0.00003; ESP Exome Variant Server 0.00008; gnomAD exomes 0.00029 and 0.00061; ExAC 0.00062; 1000 Genomes Project 30x 0.00078; 1000 Genomes Project 0.00100.
gnomAD v4.1: 453 of 1,613,898 alleles (0.028%); highest among the groups gnomAD compares: South Asian, 0.47%; 4 homozygotes.

Submission:

Illumina Laboratory Services, Illumina
Classification: Benign for Primary familial polycythemia due to EPO receptor mutation. Last evaluated: 2018-01-13. Review status: criteria provided, single submitter. Criteria: ICSL Variant Classification Criteria 13 December 2019. Collection method: clinical testing. Allele origin: germline.
Comment: This variant was observed in the ICSL laboratory as part of a predisposition screen in an ostensibly healthy population. It had not been previously curated by ICSL or reported in the Human Gene Mutation Database (HGMD: prior to June 1st, 2018), and was therefore a candidate for classification through an automated scoring system. Utilizing variant allele frequency, disease prevalence and penetrance estimates, and inheritance mode, an automated score was calculated to assess if this variant is too frequent to cause the disease. Based on the score and internal cut-off values, a variant classified as benign is not then subjected to further curation. The score for this variant resulted in a classification of benign for this disease.

NM_000121.4(EPOR):c.1427C>T (p.Ala476Val)

Gene: EPOR (erythropoietin receptor; minus strand). Cytogenetic location: 19p13.2.
Variant type: single nucleotide variant.
Coding change: c.1427C>T on transcript NM_000121.4 (MANE Select); coding-DNA position 1427, C replaced by T.
Protein change: p.Ala476Val; replaces alanine 476 with valine.
Molecular consequence: missense variant. On other transcripts: non-coding transcript variant (1).
Genome position (GRCh38, 1-based): chr19:11,378,084, G>A on the plus strand (C>T on the coding strand, the complement: EPOR is on the minus strand). VCF-style: chr19-11378084-G-A. GRCh37 (hg19) VCF-style: chr19-11488760-G-A.
Other names: short protein forms A476V.
Identifiers: ClinVar variation 328140 (VCV000328140.5), dbSNP rs146937816, ClinGen allele CA9210518.